The following is an entry in ClinVar:

ClinVar aggregate classification (germline): Pathogenic (1 of 4 stars; one submission).

Submission:

Labcorp Genetics (formerly Invitae), Labcorp
Classification: Pathogenic. Last evaluated: 2024-01-29. Review status: criteria provided, single submitter. Criteria: Invitae Variant Classification Sherloc (09022015). Collection method: clinical testing. Allele origin: germline.
Comment: This sequence change creates a premature translational stop signal (p.Tyr846Leufs*38) in the NBAS gene. It is expected to result in an absent or disrupted protein product. Loss-of-function variants in NBAS are known to be pathogenic (PMID: 26073778, 26541327, 27789416, 28031453). This variant is not present in population databases (gnomAD no frequency). This variant has not been reported in the literature in individuals affected with NBAS-related conditions. For these reasons, this variant has been classified as Pathogenic.

Literature cited by the submitters: PubMed 26073778; PubMed 26541327; PubMed 27789416; PubMed 28031453.

NM_015909.4(NBAS):c.2536dup (p.Tyr846fs)

Gene: NBAS (NBAS subunit of NRZ tethering complex; minus strand). Cytogenetic location: 2p24.3.
Variant type: Duplication.
Coding change: c.2536dup on transcript NM_015909.4 (MANE Select); coding-DNA position 2536, one base duplicated (T; older notation c.2536dupT).
Protein change: p.Tyr846fs; shifts the reading frame from tyrosine 846.
Molecular consequence: frameshift variant. On other transcripts: non-coding transcript variant (1).
Genome position (GRCh38, 1-based): chr2:15,424,356, A duplicated on the plus strand (T on the coding strand, the reverse complement: NBAS is on the minus strand). VCF-style (leftmost placement, unchanged base first): chr2-15424355-T-TA. GRCh37 (hg19) VCF-style: chr2-15564479-T-TA.
Other names: short protein forms Y846fs.
Identifiers: ClinVar variation 2818530 (VCV002818530.3), dbSNP rs2529057646, ClinGen allele CA2576680928.